The following is an entry in ClinVar:

NM_000155.4(GALT):c.772del (p.Arg258fs)

Gene: GALT (galactose-1-phosphate uridylyltransferase; plus strand). Cytogenetic location: 9p13.3.
Variant type: Deletion.
Coding change: c.772del on transcript NM_000155.4 (MANE Select); coding-DNA position 772, one base deleted (C; older notation c.772delC).
Protein change: p.Arg258fs; shifts the reading frame from arginine 258.
Molecular consequence: frameshift variant.
Genome position (GRCh38, 1-based): chr9:34,648,846, C deleted; the last of 4 consecutive C bases (chr9:34,648,843-34,648,846); deleting any one gives the same sequence. VCF-style (leftmost placement, unchanged base first): chr9-34648842-GC-G. GRCh37 (hg19) VCF-style: chr9-34648839-GC-G.
Other names: c.445del, p.Arg149fs (NM_001258332.2); short protein forms R149fs, R258fs.
Identifiers: ClinVar variation 1684618 (VCV001684618.2), dbSNP rs2132345023, ClinGen allele CA2573144594.
Genomic context (GRCh38, chr9:34,648,842, plus strand): 5'-TGAGCACTGGTTAGTACTGGTCCCCTTCTGGGCAACATGGCCCTACCAGACACTGCTGCT[GC>G]CCCGTCGGCATGTGCGGCGGCTACCTGAGCTGACCCCTGCTGAGCGTGATGGTCAGTCTC-3'

ClinVar aggregate classification (germline): Pathogenic (0 of 4 stars; one submission).

Conditions:
Deficiency of UDPglucose-hexose-1-phosphate uridylyltransferase. Also called: GALT deficiency; Galactosemia, classic; GALACTOSEMIA I; GALACTOSE-1-PHOSPHATE URIDYLYLTRANSFERASE DEFICIENCY; Transferase Deficiency Galactosemia. Identifiers: Orphanet 352, Orphanet 79239, MedGen C0268151, MONDO:0009258, OMIM 230400.

Submission:

Neonatal Research Center, Shiraz University of Medical Science
Classification: Pathogenic for Deficiency of UDPglucose-hexose-1-phosphate uridylyltransferase. Review status: no assertion criteria provided. Collection method: research. Allele origin: germline. Inheritance: Autosomal recessive inheritance. Affected: yes. Observed: 1 homozygote.